The following is an entry in ClinVar:

NM_001267550.2(TTN):c.82562dup (p.Lys27522fs)

Genes: TTN (titin; minus strand), TTN-AS1 (TTN antisense RNA 1; plus strand). Cytogenetic location: 2q31.2.
Variant type: Duplication.
Coding change: c.82562dup on transcript NM_001267550.2 (MANE Select); coding-DNA position 82562, one base duplicated (A; older notation c.82562dupA).
Protein change: p.Lys27522fs; shifts the reading frame from lysine 27522.
Molecular consequence: frameshift variant.
Genome position (GRCh38, 1-based): chr2:178,563,570, T duplicated on the plus strand (A on the coding strand, the reverse complement: TTN is on the minus strand); the first of 2 consecutive T bases (chr2:178,563,570-178,563,571); duplicating either gives the same sequence. VCF-style (leftmost placement, unchanged base first): chr2-178563569-C-CT. GRCh37 (hg19) VCF-style: chr2-179428296-C-CT.
Other names: c.82562dupA (NM_001267550.2); c.77639dup, p.Lys25881fs (NM_001256850.1); c.55367dup, p.Lys18457fs (NM_003319.4); c.74858dup, p.Lys24954fs (NM_133378.4); c.55742dup, p.Lys18582fs (NM_133432.3); c.55943dup, p.Lys18649fs (NM_133437.4); short protein forms K18457fs, K18582fs, K18649fs, K24954fs, K25881fs, K27522fs.
Identifiers: ClinVar variation 3347146 (VCV003347146.1).

ClinVar aggregate classification (germline): Likely pathogenic (0 of 4 stars; one submission).

Conditions:
TTN-related disorder. Also called: TTN-related disorders; TTN-related condition; TTN-related disease.

Submission:

PreventionGenetics, part of Exact Sciences
Classification: Likely pathogenic for TTN-related condition. Last evaluated: 2024-09-16. Review status: no assertion criteria provided. Collection method: clinical testing. Allele origin: germline.
Comment: The TTN c.82562dupA variant is predicted to result in a frameshift and premature protein termination (p.Lys27522Glufs*20). To our knowledge, this variant has not been reported in the literature or in a large population database, indicating this variant is rare. This variant is located within the A-band region of the protein in which truncating TTN variants have been found more frequently in dilated cardiomyopathy patients than in controls (Herman et al. 2012. PubMed ID: 22335739). RNAseq studies from heart tissue indicate this exon is commonly included in TTN mRNA transcripts (PSI of 95%-100%); however, this analysis was not performed in muscle tissue (Roberts et al. 2015. PMID: 25589632). TTN truncating variants are reported in 1-2% of presumably healthy individuals and occur more frequently in exons with low PSI values, indicating the c.82562dupA variant is more likely to be disease-causing (Herman et al. 2012. PMID: 22335739; Roberts et al. 2015. PMID: 25589632). Of note, TTN truncating variants show incomplete and age-dependent penetrance in regards to autosomal dominant dilated cardiomyopathy. ACMG has recommended the reporting of TTN truncating variants in highly expressed exons due to the significant risk of cardiomyopathy (see ACMG statement in Miller et al. 2021. PubMed ID: 34012068). In summary, this variant is interpreted as likely pathogenic for both autosomal dominant and autosomal recessive TTN-related disorders.